The following is an entry in ClinVar:

ClinVar aggregate classification (germline): Likely benign (0 of 4 stars; one submission).

Conditions:
KALRN-related disorder. Also called: KALRN-related condition.

Allele frequency attached by ClinVar (database versions not stated): ExAC 0.00001; gnomAD 0.00001; gnomAD exomes 0.00001.
gnomAD v4.1: 14 of 1,613,732 alleles (0.00087%); highest among the groups gnomAD compares: Middle Eastern, 0.016%; no homozygotes.

Submission:

PreventionGenetics, part of Exact Sciences
Classification: Likely benign for KALRN-related condition. Last evaluated: 2019-09-09. Review status: no assertion criteria provided. Collection method: clinical testing. Allele origin: germline.
Comment: This variant is classified as likely benign based on ACMG/AMP sequence variant interpretation guidelines (Richards et al. 2015 PMID: 25741868, with internal and published modifications).

NM_001388419.1(KALRN):c.1353C>T (p.Asp451=)

Gene: KALRN (kalirin RhoGEF kinase; plus strand). Cytogenetic location: 3q21.2.
Variant type: single nucleotide variant.
Coding change: c.1353C>T on transcript NM_001388419.1 (MANE Select); coding-DNA position 1353, C replaced by T.
Protein change: p.Asp451=; no amino-acid change (aspartic acid 451 retained).
Molecular consequence: synonymous variant.
Genome position (GRCh38, 1-based): chr3:124,329,929, C>T. VCF-style: chr3-124329929-C-T. GRCh37 (hg19) VCF-style: chr3-124048776-C-T.
Other names: c.1347C>T, p.Asp449= (NM_001024660.5, NM_001322988.2, NM_001322989.2 and 4 more transcripts); c.1353C>T, p.Asp451= (NM_001388417.1, NM_001388418.1).
Identifiers: ClinVar variation 3040545 (VCV003040545.2), dbSNP rs772953649, ClinGen allele CA2579159.